The following is an entry in ClinVar:

ClinVar aggregate classification (germline): Pathogenic/Likely pathogenic. Review status: criteria provided, multiple submitters, no conflicts (2 of 4 stars). 8 submissions from 8 submitters: Pathogenic (3); Likely pathogenic (4). 1 of the submissions does not count toward it. Last evaluated 2026-01-05.

Conditions:
Fanconi anemia complementation group A (FANCA). Also called: FANCA-Related Fanconi Anemia; Fanconi anemia, group A. Identifiers: Orphanet 84, MedGen C3469521, MONDO:0009215, OMIM 227650.
FANCA-related disorders.
Fanconi anemia (FA). Also called: Fanconi's anemia. Identifiers: Orphanet 84, MedGen C0015625, MeSH D005199, MONDO:0019391.

Allele frequency attached by ClinVar (database versions not stated): gnomAD exomes below 0.00001.
gnomAD v4.1: 2 of 1,610,656 alleles (0.00012%); highest among the groups gnomAD compares: Middle Eastern, 0.033%; no homozygotes.

Submissions (8):

Labcorp Genetics (formerly Invitae), Labcorp
Classification: Pathogenic for Fanconi anemia. Last evaluated: 2026-01-05. Review status: criteria provided, single submitter. Criteria: Invitae Variant Classification Sherloc (09022015). Collection method: clinical testing. Allele origin: germline.
Comment: This sequence change affects a donor splice site in intron 2 of the FANCA gene. It is expected to disrupt RNA splicing. Variants that disrupt the donor or acceptor splice site typically lead to a loss of protein function (PMID: 16199547), and loss-of-function variants in FANCA are known to be pathogenic (PMID: 19367192). This variant is not present in population databases (gnomAD no frequency). Disruption of this splice site has been observed in individual(s) with Fanconi anemia (PMID: 31558676, 37865086). In at least one individual the data is consistent with being in trans (on the opposite chromosome) from a pathogenic variant. ClinVar contains an entry for this variant (Variation ID: 557994). Algorithms developed to predict the effect of sequence changes on RNA splicing suggest that this variant may disrupt the consensus splice site. For these reasons, this variant has been classified as Pathogenic.

Natera, Inc.
Classification: Pathogenic for Fanconi anemia. Last evaluated: 2025-11-13. Review status: criteria provided, single submitter. Criteria: Natera Variant Classification Schema (03/2026). Collection method: clinical testing. Allele origin: germline.
Comment: The c.189+1G>A variant in FANCA is a canonical splice donor site variant predicted to affect pre-mRNA splicing, which may result in an abnormal transcript and altered protein product. This variant is expected to result in nonsense mediated decay, truncation, or a dysfunctional protein product. This variant is rare in the general population with a frequency below the threshold expected for the associated phenotype(s). This variant has been observed in one or more individuals affected with the associated recessive disease, as either homozygous or compound heterozygous with a second variant (PMID: 31558676). Given the available evidence, this variant is classified as Pathogenic.

Genomic Medicine Center of Excellence, King Faisal Specialist Hospital and Research Centre
Classification: Likely pathogenic for Fanconi anemia complementation group A. Last evaluated: 2024-03-25. Review status: criteria provided, single submitter. Criteria: ACMG Guidelines, 2015. Collection method: research. Allele origin: germline.

3billion
Classification: Pathogenic for Fanconi anemia complementation group A. Last evaluated: 2024-02-01. Review status: criteria provided, single submitter. Criteria: ACMG Guidelines, 2015. Collection method: clinical testing. Allele origin: germline. Affected: yes.
Comment: The variant is not observed in the gnomAD v2.1.1 dataset. Predicted Consequence/Location: Canonical splice site: predicted to alter splicing and result in a loss or disruption of normal protein function. Multiple pathogenic loss-of-function variants are reported downstream of the variant. The variant has been reported at least twice as pathogenic with clinical assertions and evidence for the classification (ClinVar ID: VCV000557994 /PMID: 31558676). Therefore, this variant is classified as Pathogenic according to the recommendation of ACMG/AMP guideline.

Center for Genomics, Ann and Robert H. Lurie Children's Hospital of Chicago
Classification: Likely pathogenic for Fanconi anemia complementation group A. Last evaluated: 2021-03-30. Review status: criteria provided, single submitter. Criteria: ACMG Guidelines, 2015. Collection method: clinical testing. Allele origin: germline.
Comment: FANCA NM_000135 exon 2 c.189+1G>A: This variant has not been reported in the literature but is present in 1/14984 European alleles in the Genome Aggregation Database. Evolutionary conservation and computational predictive tools for this variant are limited or unavailable. Of note, this variant alters the consensus splice sequence (+/-1,2) which is predicted to result in an absent or abnormal protein. Loss of function variants are a known mechanism of disease for this gene (Mathew 2006 PMID:16998502). In summary, data on this variant is highly suspicious for disease, but requires further evidence for pathogenicity. Therefore, this variant classified as likely pathogenic.

CeGaT Center for Human Genetics Tuebingen
Classification: Likely pathogenic. Last evaluated: 2020-03-01. Review status: criteria provided, single submitter. Criteria: CeGaT Center For Human Genetics Tuebingen Variant Classification Criteria Version 2. Collection method: clinical testing. Allele origin: germline. Affected: yes. Observed: 2 variant alleles.

Blueprint Genetics
Classification: Likely pathogenic for FANCA-related disorders. Last evaluated: 2018-12-31. Review status: criteria provided, single submitter. Criteria: ACMG Guidelines, 2015. Collection method: clinical testing. Allele origin: germline. Affected: yes. Observed: 2 variant alleles.

Counsyl
Classification: Likely pathogenic for Fanconi anemia complementation group A. Last evaluated: 2018-04-23. Review status: no assertion criteria provided. Collection method: clinical testing. Allele origin: unknown. Not counted in ClinVar's aggregate classification.

Literature cited by the submitters: PubMed 16199547 (cited by Labcorp Genetics (formerly Invitae), Labcorp); PubMed 19367192 (cited by Labcorp Genetics (formerly Invitae), Labcorp); PubMed 31558676 (cited by 3 submitters); PubMed 37865086 (cited by Labcorp Genetics (formerly Invitae), Labcorp).

NM_000135.4(FANCA):c.189+1G>A

Gene: FANCA (FA complementation group A; minus strand). Cytogenetic location: 16q24.3.
Variant type: single nucleotide variant.
Coding change: c.189+1G>A on transcript NM_000135.4 (MANE Select); the canonical splice donor site of the intron after coding-DNA position 189, G replaced by A.
Molecular consequence: splice donor variant.
Genome position (GRCh38, 1-based): chr16:89,815,876, C>T on the plus strand (G>A on the coding strand, the complement: FANCA is on the minus strand). VCF-style: chr16-89815876-C-T. GRCh37 (hg19) VCF-style: chr16-89882284-C-T.
Other names: c.189+1G>A (NM_000135.3, NM_001286167.3, NM_001351830.2 and 1 more transcripts).
Identifiers: ClinVar variation 557994 (VCV000557994.57), dbSNP rs891323617, ClinGen allele CA286612153.